The following is an entry in ClinVar:

NM_000180.4(GUCY2D):c.2465G>A (p.Arg822Gln)

Gene: GUCY2D (guanylate cyclase 2D, retinal; plus strand). Cytogenetic location: 17p13.1.
Variant type: single nucleotide variant.
Coding change: c.2465G>A on transcript NM_000180.4 (MANE Select); coding-DNA position 2465, G replaced by A.
Protein change: p.Arg822Gln; replaces arginine 822 with glutamine.
Molecular consequence: missense variant.
Genome position (GRCh38, 1-based): chr17:8,014,653, G>A. VCF-style: chr17-8014653-G-A. GRCh37 (hg19) VCF-style: chr17-7917971-G-A.
Other names: short protein forms R822Q.
Identifiers: ClinVar variation 2077778 (VCV002077778.2), dbSNP rs398123233, ClinGen allele CA8366139.

ClinVar aggregate classification (germline): Uncertain significance. Review status: criteria provided, multiple submitters, no conflicts (2 of 4 stars). 2 submissions from 2 submitters: Uncertain significance (2). Last evaluated 2022-07-01.

Conditions:
Leber congenital amaurosis 1 (LCA1). Also called: AMAUROSIS CONGENITA OF LEBER I; Congenital absence of the rods and cones; Leber's congenital tapetoretinal degeneration; Leber's congenital tapetoretinal dysplasia; RETINAL BLINDNESS, CONGENITAL. Identifiers: Orphanet 65, MedGen C2931258, MONDO:0008764, OMIM 204000.
Cone-rod dystrophy 6 (CORD6). Also called: RETINAL CONE DYSTROPHY 2; Cone dystrophy progressive. Identifiers: Orphanet 1872, MedGen C1866293, MONDO:0011143, OMIM 601777.

Allele frequency attached by ClinVar (database versions not stated): gnomAD exomes 0.00001; ExAC 0.00002; gnomAD 0.00002.

Submissions (2):

Labcorp Genetics (formerly Invitae), Labcorp
Classification: Uncertain significance for Leber congenital amaurosis 1; Cone-rod dystrophy 6. Last evaluated: 2022-07-01. Review status: criteria provided, single submitter. Criteria: Invitae Variant Classification Sherloc (09022015). Collection method: clinical testing. Allele origin: germline.
Comment: This sequence change replaces arginine, which is basic and polar, with glutamine, which is neutral and polar, at codon 822 of the GUCY2D protein (p.Arg822Gln). This variant is present in population databases (rs398123233, gnomAD 0.02%). This missense change has been observed in individual(s) with clinical features of autosomal dominant GUCY2D-related conditions (Invitae). Algorithms developed to predict the effect of missense changes on protein structure and function (SIFT, PolyPhen-2, Align-GVGD) all suggest that this variant is likely to be disruptive. In summary, the available evidence is currently insufficient to determine the role of this variant in disease. Therefore, it has been classified as a Variant of Uncertain Significance.

Blueprint Genetics
Classification: Uncertain significance. Last evaluated: 2020-11-24. Review status: criteria provided, single submitter. Criteria: ACMG Guidelines, 2015. Collection method: clinical testing. Allele origin: germline.